The following is an entry in ClinVar:

NM_003716.4(CADPS):c.1754-6T>C

Gene: CADPS (calcium dependent secretion activator; minus strand). Cytogenetic location: 3p14.2.
Variant type: single nucleotide variant.
Coding change: c.1754-6T>C on transcript NM_003716.4 (MANE Select); 6 bases into the intron before coding-DNA position 1754, T replaced by C.
Molecular consequence: intron variant.
Genome position (GRCh38, 1-based): chr3:62,550,121, A>G on the plus strand (T>C on the coding strand, the complement: CADPS is on the minus strand). VCF-style: chr3-62550121-A-G. GRCh37 (hg19) VCF-style: chr3-62535796-A-G.
Other names: c.1754-6T>C (NM_183393.3, NM_183394.3).
Identifiers: ClinVar variation 3034614 (VCV003034614.2), dbSNP rs372017906, ClinGen allele CA2476889.

ClinVar aggregate classification (germline): Likely benign (0 of 4 stars; one submission).

Conditions:
CADPS-related disorder. Also called: CADPS-related condition.

Allele frequency attached by ClinVar (database versions not stated): gnomAD exomes 0.00010; TOPMed 0.00027; ESP Exome Variant Server 0.00031; gnomAD 0.00033; ExAC 0.00036; 1000 Genomes Project 30x 0.00234; 1000 Genomes Project 0.00280.
gnomAD v4.1: 254 of 1,610,496 alleles (0.016%); highest among the groups gnomAD compares: East Asian, 0.16%; 1 homozygote.

Submission:

PreventionGenetics, part of Exact Sciences
Classification: Likely benign for CADPS-related condition. Last evaluated: 2019-07-30. Review status: no assertion criteria provided. Collection method: clinical testing. Allele origin: germline.
Comment: This variant is classified as likely benign based on ACMG/AMP sequence variant interpretation guidelines (Richards et al. 2015 PMID: 25741868, with internal and published modifications).